The following is an entry in ClinVar:

NM_000122.2(ERCC3):c.1183G>A (p.Asp395Asn)

Gene: ERCC3 (ERCC excision repair 3, TFIIH core complex helicase subunit; minus strand). Cytogenetic location: 2q14.3.
Variant type: single nucleotide variant.
Coding change: c.1183G>A on transcript NM_000122.2 (MANE Select); coding-DNA position 1183, G replaced by A.
Protein change: p.Asp395Asn; replaces aspartic acid 395 with asparagine.
Molecular consequence: missense variant.
Genome position (GRCh38, 1-based): chr2:127,286,862, C>T on the plus strand (G>A on the coding strand, the complement: ERCC3 is on the minus strand). VCF-style: chr2-127286862-C-T. GRCh37 (hg19) VCF-style: chr2-128044438-C-T.
Other names: c.991G>A, p.Asp331Asn (NM_001303416.2, NM_001303418.2); short protein forms D331N, D395N.
Identifiers: ClinVar variation 2082488 (VCV002082488.4), dbSNP rs775603873, ClinGen allele CA348389826.
Genomic context (GRCh38, chr2:127,286,862, plus strand): 5'-GGCCCAGCATGGAGTAGGTGCTAATGGCAACGGAGCAGCCGATGGGCTTGTCCTTGGCAT[C>T]GGAGGTGAACCGGCAGATCTGGCTGTCGTCAATGGTGGACCACATCTTGAACTGGGCTTT-3'
Protein context (NP_000113.1, residues 385-405): DDSQICRFTS[Asp395Asn]AKDKPIGCSV

ClinVar aggregate classification (germline): Uncertain significance (1 of 4 stars; one submission).

Submission:

Labcorp Genetics (formerly Invitae), Labcorp
Classification: Uncertain significance. Last evaluated: 2025-04-19. Review status: criteria provided, single submitter. Criteria: Invitae Variant Classification Sherloc (09022015). Collection method: clinical testing. Allele origin: germline.
Comment: This sequence change replaces aspartic acid, which is acidic and polar, with asparagine, which is neutral and polar, at codon 395 of the ERCC3 protein (p.Asp395Asn). This variant is not present in population databases (gnomAD no frequency). This variant has not been reported in the literature in individuals affected with ERCC3-related conditions. ClinVar contains an entry for this variant (Variation ID: 2082488). Invitae Evidence Modeling of protein sequence and biophysical properties (such as structural, functional, and spatial information, amino acid conservation, physicochemical variation, residue mobility, and thermodynamic stability) indicates that this missense variant is not expected to disrupt ERCC3 protein function with a negative predictive value of 80%. In summary, the available evidence is currently insufficient to determine the role of this variant in disease. Therefore, it has been classified as a Variant of Uncertain Significance.